The following is an entry in ClinVar:

NM_018699.4(PRDM5):c.234_300+335delinsA

Gene: PRDM5 (PR/SET domain 5; minus strand). Cytogenetic location: 4q27.
Variant type: Indel.
Coding change: c.234_300+335delinsA on transcript NM_018699.4 (MANE Select); coding-DNA position 234 through 335 bases into the intron after coding-DNA position 300, the reference bases replaced by A.
Molecular consequence: splice donor variant.
Genome position (GRCh38, 1-based): chr4:120,853,083-120,853,484, 402 bases replaced. GRCh37 (hg19): chr4:121,774,238-121,774,639.
Other names: c.234_300+335delinsA (NM_001300824.2, NM_001379106.1, NM_001300823.2 and 1 more transcripts).
Identifiers: ClinVar variation 3639724 (VCV003639724.2).

ClinVar aggregate classification (germline): Likely pathogenic (1 of 4 stars; one submission).

Submission:

Labcorp Genetics (formerly Invitae), Labcorp
Classification: Likely pathogenic. Last evaluated: 2024-02-08. Review status: criteria provided, single submitter. Criteria: Invitae Variant Classification Sherloc (09022015). Collection method: clinical testing. Allele origin: germline.
Comment: This variant results in the deletion of part of exon 3 (c.234_300+335delinsA) of the PRDM5 gene. It is expected to disrupt RNA splicing. Variants that disrupt the donor or acceptor splice site typically lead to a loss of protein function (PMID: 16199547), and loss-of-function variants in PRDM5 are known to be pathogenic (PMID: 21664999, 26395458). This variant is not present in population databases (gnomAD no frequency). This variant has not been reported in the literature in individuals affected with PRDM5-related conditions. In summary, the currently available evidence indicates that the variant is pathogenic, but additional data are needed to prove that conclusively. Therefore, this variant has been classified as Likely Pathogenic.

Literature cited by the submitters: PubMed 16199547; PubMed 21664999; PubMed 26395458.